The following is an entry in ClinVar:

ClinVar aggregate classification (germline): Uncertain significance. Review status: criteria provided, multiple submitters, no conflicts (2 of 4 stars). 3 submissions from 3 submitters: Uncertain significance (3). Last evaluated 2026-08-05.

Conditions:
GALNT12-related disorder. Also called: GALNT12-related condition.

Allele frequency attached by ClinVar (database versions not stated): gnomAD exomes below 0.00001 and 0.00002; TOPMed below 0.00001; gnomAD 0.00001; ExAC 0.00002; 1000 Genomes Project 0.00020; 1000 Genomes Project 30x 0.00031.

Submissions (3):

PreventionGenetics, part of Exact Sciences
Classification: Uncertain significance for GALNT12-related condition. Last evaluated: 2026-08-05. Review status: criteria provided, single submitter. Criteria: ACMG Guidelines, 2015. Collection method: clinical testing. Allele origin: germline.
Comment: The GALNT12 c.923C>T variant is predicted to result in the amino acid substitution p.Pro308Leu. To our knowledge, this variant has not been reported in the literature. This variant is reported in 0.027% of alleles in individuals of East Asian descent in gnomAD. This variant is interpreted as uncertain in ClinVar (Variation ID: 823123). At this time, the clinical significance of this variant is uncertain due to the absence of conclusive functional and genetic evidence.

Ambry Genetics
Classification: Uncertain significance. Last evaluated: 2025-11-25. Review status: criteria provided, single submitter. Criteria: Ambry Variant Classification Scheme 2023. Collection method: clinical testing. Allele origin: germline.
Comment: The p.P308L variant (also known as c.923C>T), located in coding exon 5 of the GALNT12 gene, results from a C to T substitution at nucleotide position 923. The proline at codon 308 is replaced by leucine, an amino acid with similar properties. This amino acid position is highly conserved in available vertebrate species. In addition, this alteration is predicted to be deleterious by in silico analysis. Since supporting evidence is limited at this time, the clinical significance of this alteration remains unclear.

Labcorp Genetics (formerly Invitae), Labcorp
Classification: Uncertain significance. Last evaluated: 2024-06-26. Review status: criteria provided, single submitter. Criteria: Invitae Variant Classification Sherloc (09022015). Collection method: clinical testing. Allele origin: germline.
Comment: This sequence change replaces proline, which is neutral and non-polar, with leucine, which is neutral and non-polar, at codon 308 of the GALNT12 protein (p.Pro308Leu). This variant is present in population databases (rs537015652, gnomAD 0.03%). This variant has not been reported in the literature in individuals affected with GALNT12-related conditions. ClinVar contains an entry for this variant (Variation ID: 823123). Advanced modeling of protein sequence and biophysical properties (such as structural, functional, and spatial information, amino acid conservation, physicochemical variation, residue mobility, and thermodynamic stability) has been performed at Invitae for this missense variant, however the output from this modeling did not meet the statistical confidence thresholds required to predict the impact of this variant on GALNT12 protein function. In summary, the available evidence is currently insufficient to determine the role of this variant in disease. Therefore, it has been classified as a Variant of Uncertain Significance.

NM_024642.5(GALNT12):c.923C>T (p.Pro308Leu)

Gene: GALNT12 (polypeptide N-acetylgalactosaminyltransferase 12; plus strand). Cytogenetic location: 9q22.33.
Variant type: single nucleotide variant.
Coding change: c.923C>T on transcript NM_024642.5 (MANE Select); coding-DNA position 923, C replaced by T.
Protein change: p.Pro308Leu; replaces proline 308 with leucine.
Molecular consequence: missense variant.
Genome position (GRCh38, 1-based): chr9:98,835,254, C>T. VCF-style: chr9-98835254-C-T. GRCh37 (hg19) VCF-style: chr9-101597536-C-T.
Other names: short protein forms P308L.
Identifiers: ClinVar variation 823123 (VCV000823123.14), dbSNP rs537015652, ClinGen allele CA5154119.